The following is an entry in ClinVar:

NM_152443.3(RDH12):c.779dup (p.Ala262fs)

Genes: GPHN (gephyrin; plus strand), ZFYVE26 (zinc finger FYVE-type containing 26; minus strand), RDH12 (retinol dehydrogenase 12; plus strand). Cytogenetic location: 14q24.1.
Variant type: Duplication.
Coding change: c.779dup on transcript NM_152443.3 (MANE Select); coding-DNA position 779, one base duplicated (A; older notation c.779dupA).
Protein change: p.Ala262fs; shifts the reading frame from alanine 262.
Molecular consequence: frameshift variant.
Genome position (GRCh38, 1-based): chr14:67,729,311, A duplicated. VCF-style (leftmost placement, unchanged base first): chr14-67729310-G-GA. GRCh37 (hg19) VCF-style: chr14-68196027-G-GA.
Other names: short protein forms A262fs.
Identifiers: ClinVar variation 2678308 (VCV002678308.4), dbSNP rs2503833321, ClinGen allele CA2695199834.

ClinVar aggregate classification (germline): Pathogenic/Likely pathogenic. Review status: criteria provided, multiple submitters, no conflicts (2 of 4 stars). 2 submissions from 2 submitters: Pathogenic (1); Likely pathogenic (1). Last evaluated 2025-06-01.

Conditions:
Leber congenital amaurosis 13 (LCA13). Identifiers: MedGen C2675186, MONDO:0012990, OMIM 612712.

Submissions (2):

Labcorp Genetics (formerly Invitae), Labcorp
Classification: Pathogenic for Leber congenital amaurosis 13. Last evaluated: 2025-06-01. Review status: criteria provided, single submitter. Criteria: Invitae Variant Classification Sherloc (09022015). Collection method: clinical testing. Allele origin: germline.
Comment: This sequence change creates a premature translational stop signal (p.Ala262Glyfs*11) in the RDH12 gene. While this is not anticipated to result in nonsense mediated decay, it is expected to disrupt the last 55 amino acid(s) of the RDH12 protein. This variant is not present in population databases (gnomAD no frequency). This premature translational stop signal has been observed in individual(s) with autosomal recessive Leber congenital amaurosis (PMID: 25561519, 35119454). It has also been observed to segregate with disease in related individuals. ClinVar contains an entry for this variant (Variation ID: 2678308). This variant disrupts a region of the RDH12 protein in which other variant(s) (p.Trp304*) have been determined to be pathogenic (PMID: 20736127, 24625443; internal data). This suggests that this is a clinically significant region of the protein, and that variants that disrupt it are likely to be disease-causing. For these reasons, this variant has been classified as Pathogenic.

Baylor Genetics
Classification: Likely pathogenic for Leber congenital amaurosis 13. Last evaluated: 2022-03-24. Review status: criteria provided, single submitter. Criteria: ACMG Guidelines, 2015. Collection method: clinical testing. Allele origin: unknown.

Literature cited by the submitters: PubMed 25561519 (cited by Labcorp Genetics (formerly Invitae), Labcorp); PubMed 35119454 (cited by Labcorp Genetics (formerly Invitae), Labcorp); PubMed 20736127 (cited by Labcorp Genetics (formerly Invitae), Labcorp); PubMed 24625443 (cited by Labcorp Genetics (formerly Invitae), Labcorp).